The following is an entry in ClinVar:

ClinVar aggregate classification (germline): Uncertain significance (1 of 4 stars; one submission).

Conditions:
Inborn genetic diseases. Identifiers: MedGen C0950123, MeSH D030342.

gnomAD v4.1: 11 of 1,613,404 alleles (0.00068%); highest among the groups gnomAD compares: South Asian, 0.0011%; no homozygotes.

Submission:

Ambry Genetics
Classification: Uncertain significance for Inborn genetic diseases. Last evaluated: 2025-05-17. Review status: criteria provided, single submitter. Criteria: Ambry Variant Classification Scheme 2023. Collection method: clinical testing. Allele origin: germline.
Comment: The p.V409M variant (also known as c.1225G>A), located in coding exon 7 of the ERCC6L2 gene, results from a G to A substitution at nucleotide position 1225. The valine at codon 409 is replaced by methionine, an amino acid with highly similar properties. This amino acid position is conserved. In addition, this alteration is predicted to be tolerated by in silico analysis. Based on the available evidence, the clinical significance of this variant remains unclear.

NM_020207.7(ERCC6L2):c.1225G>A (p.Val409Met)

Gene: ERCC6L2 (ERCC excision repair 6 like 2; plus strand). Cytogenetic location: 9q22.32.
Variant type: single nucleotide variant.
Coding change: c.1225G>A on transcript NM_020207.7 (MANE Select); coding-DNA position 1225, G replaced by A.
Protein change: p.Val409Met; replaces valine 409 with methionine.
Molecular consequence: missense variant. On other transcripts: non-coding transcript variant (1).
Genome position (GRCh38, 1-based): chr9:95,921,241, G>A. VCF-style: chr9-95921241-G-A. GRCh37 (hg19) VCF-style: chr9-98683523-G-A.
Other names: c.1225G>A, p.Val409Met (NM_001010895.4, NM_001375291.1, NM_001375292.1 and 2 more transcripts); short protein forms V409M.
Identifiers: ClinVar variation 4019360 (VCV004019360.1).